The following is an entry in ClinVar:

NM_058246.4(DNAJB6):c.175+13G>A

Gene: DNAJB6 (DnaJ heat shock protein family (Hsp40) member B6; plus strand). Cytogenetic location: 7q36.3.
Variant type: single nucleotide variant.
Coding change: c.175+13G>A on transcript NM_058246.4 (MANE Select); 13 bases into the intron after coding-DNA position 175, G replaced by A.
Molecular consequence: intron variant.
Genome position (GRCh38, 1-based): chr7:157,363,283, G>A. VCF-style: chr7-157363283-G-A. GRCh37 (hg19) VCF-style: chr7-157155977-G-A.
Other names: c.175+13G>A (NM_001363676.1, NM_005494.3).
Identifiers: ClinVar variation 387563 (VCV000387563.6), dbSNP rs376421671, ClinGen allele CA4590368.

ClinVar aggregate classification (germline): Likely benign. Review status: criteria provided, multiple submitters, no conflicts (2 of 4 stars). 2 submissions from 2 submitters: Likely benign (2). Last evaluated 2025-12-30.

Conditions:
Autosomal dominant limb-girdle muscular dystrophy type 1D (DNAJB6) (LGMDD1). Also called: MUSCULAR DYSTROPHY, LIMB-GIRDLE, TYPE 1D; MUSCULAR DYSTROPHY, AUTOSOMAL DOMINANT, WITH RIMMED VACUOLES; Autosomal dominant limb-girdle muscular dystrophy type 1D; Muscular dystrophy, limb-girdle, autosomal dominant 1. Identifiers: Orphanet 34516, MedGen C4721885, MONDO:0021018, OMIM 603511.

Allele frequency attached by ClinVar (database versions not stated): TOPMed 0.00002.
gnomAD v4.1: 12 of 1,581,162 alleles (0.00076%); highest among the groups gnomAD compares: African/African-American, 0.004%; no homozygotes.

Submissions (2):

Labcorp Genetics (formerly Invitae), Labcorp
Classification: Likely benign for Autosomal dominant limb-girdle muscular dystrophy type 1D (DNAJB6). Last evaluated: 2025-12-30. Review status: criteria provided, single submitter. Criteria: Invitae Variant Classification Sherloc (09022015). Collection method: clinical testing. Allele origin: germline.

GeneDx
Classification: Likely benign. Last evaluated: 2016-07-27. Review status: criteria provided, single submitter. Criteria: GeneDx Variant Classification (06012015). Collection method: clinical testing. Allele origin: germline. Affected: yes.
Comment: This variant is considered likely benign or benign based on one or more of the following criteria: it is a conservative change, it occurs at a poorly conserved position in the protein, it is predicted to be benign by multiple in silico algorithms, and/or has population frequency not consistent with disease.